The following is an entry in ClinVar:

NM_017777.4(MKS1):c.1028G>A (p.Trp343Ter)

Gene: MKS1 (MKS transition zone complex subunit 1; minus strand). Cytogenetic location: 17q22.
Variant type: single nucleotide variant.
Coding change: c.1028G>A on transcript NM_017777.4 (MANE Select); coding-DNA position 1028, G replaced by A.
Protein change: p.Trp343Ter; replaces tryptophan 343 with a stop codon.
Molecular consequence: nonsense.
Genome position (GRCh38, 1-based): chr17:58,208,580, C>T on the plus strand (G>A on the coding strand, the complement: MKS1 is on the minus strand). VCF-style: chr17-58208580-C-T. GRCh37 (hg19) VCF-style: chr17-56285941-C-T.
Other names: c.419G>A, p.Trp140Ter (NM_001321268.2); c.1028G>A, p.Trp343Ter (NM_001321269.2, NM_001330397.2, NM_001411113.1); short protein forms W140*, W343*.
Identifiers: ClinVar variation 2953302 (VCV002953302.3), dbSNP rs567026924, ClinGen allele CA292009158.

ClinVar aggregate classification (germline): Pathogenic (1 of 4 stars; one submission).

Conditions:
Joubert syndrome. Also called: CEREBELLOPARENCHYMAL DISORDER IV; JOUBERT-BOLTSHAUSER SYNDROME; Familial aplasia of the vermis. Identifiers: Orphanet 475, MedGen C5979921, MONDO:0018772.
Meckel-Gruber syndrome. Also called: DYSENCEPHALIA SPLANCHNOCYSTICA; GRUBER SYNDROME; Dysencephalia splachnocystica. Identifiers: Orphanet 564, MedGen C0265215, MONDO:0018921.

gnomAD v4.1: 2 of 1,614,120 alleles (0.00012%); highest among the groups gnomAD compares: Non-Finnish European, 0.00017%; no homozygotes.

Submission:

Labcorp Genetics (formerly Invitae), Labcorp
Classification: Pathogenic for Joubert syndrome; Meckel-Gruber syndrome. Last evaluated: 2023-10-26. Review status: criteria provided, single submitter. Criteria: Invitae Variant Classification Sherloc (09022015). Collection method: clinical testing. Allele origin: germline.
Comment: This sequence change creates a premature translational stop signal (p.Trp343*) in the MKS1 gene. It is expected to result in an absent or disrupted protein product. Loss-of-function variants in MKS1 are known to be pathogenic (PMID: 19466712, 24886560, 26490104). This variant is not present in population databases (gnomAD no frequency). This variant has not been reported in the literature in individuals affected with MKS1-related conditions. Algorithms developed to predict the effect of sequence changes on RNA splicing suggest that this variant may disrupt the consensus splice site. For these reasons, this variant has been classified as Pathogenic.

Literature cited by the submitters: PubMed 19466712; PubMed 24886560; PubMed 26490104.